The following is an entry in ClinVar:

NM_213599.3(ANO5):c.794A>T (p.Asn265Ile)

Gene: ANO5 (anoctamin 5; plus strand). Cytogenetic location: 11p14.3.
Variant type: single nucleotide variant.
Coding change: c.794A>T on transcript NM_213599.3 (MANE Select); coding-DNA position 794, A replaced by T.
Protein change: p.Asn265Ile; replaces asparagine 265 with isoleucine.
Molecular consequence: missense variant.
Genome position (GRCh38, 1-based): chr11:22,239,600, A>T. VCF-style: chr11-22239600-A-T. GRCh37 (hg19) VCF-style: chr11-22261146-A-T.
Other names: c.791A>T, p.Asn264Ile (NM_001142649.2); short protein forms N264I, N265I.
Identifiers: ClinVar variation 934689 (VCV000934689.8), dbSNP rs377553546, ClinGen allele CA379920433.

ClinVar aggregate classification (germline): Uncertain significance (1 of 4 stars; one submission).

Conditions:
Gnathodiaphyseal dysplasia (GDD). Also called: GNATHODIAPHYSEAL SCLEROSIS; OSTEOGENESIS IMPERFECTA WITH UNUSUAL SKELETAL LESIONS. Identifiers: Orphanet 53697, MedGen C1833736, MONDO:0008151, OMIM 166260.
Autosomal recessive limb-girdle muscular dystrophy type 2L (LGMDR12). Also called: Limb-girdle muscular dystrophy, type 2L; Limb-Girdle Muscular Dystrophy R12 Anoctamin-5-Related (LGMD-R12); MUSCULAR DYSTROPHY, LIMB-GIRDLE, AUTOSOMAL RECESSIVE 12. Identifiers: Orphanet 206549, MedGen C1969785, MONDO:0012652, OMIM 611307.

Allele frequency attached by ClinVar (database versions not stated): TOPMed 0.00001.
gnomAD v4.1: 22 of 1,612,782 alleles (0.0014%); highest among the groups gnomAD compares: Non-Finnish European, 0.0017%; no homozygotes.

Submission:

Labcorp Genetics (formerly Invitae), Labcorp
Classification: Uncertain significance for Autosomal recessive limb-girdle muscular dystrophy type 2L; Gnathodiaphyseal dysplasia. Last evaluated: 2025-06-06. Review status: criteria provided, single submitter. Criteria: Invitae Variant Classification Sherloc (09022015). Collection method: clinical testing. Allele origin: germline.
Comment: This sequence change replaces asparagine, which is neutral and polar, with isoleucine, which is neutral and non-polar, at codon 265 of the ANO5 protein (p.Asn265Ile). This variant is present in population databases (no rsID available, gnomAD 0.007%). This missense change has been observed in individual(s) with ANO5-related conditions (internal data). ClinVar contains an entry for this variant (Variation ID: 934689). Invitae Evidence Modeling of protein sequence and biophysical properties (such as structural, functional, and spatial information, amino acid conservation, physicochemical variation, residue mobility, and thermodynamic stability) has been performed for this missense variant. However, the output from this modeling did not meet the statistical confidence thresholds required to predict the impact of this variant on ANO5 protein function. In summary, the available evidence is currently insufficient to determine the role of this variant in disease. Therefore, it has been classified as a Variant of Uncertain Significance.